The following is an entry in ClinVar:

NM_178013.4(PRIMA1):c.442G>A (p.Val148Met)

Gene: PRIMA1 (proline rich membrane anchor 1; minus strand). Cytogenetic location: 14q32.12.
Variant type: single nucleotide variant.
Coding change: c.442G>A on transcript NM_178013.4 (MANE Select); coding-DNA position 442, G replaced by A.
Protein change: p.Val148Met; replaces valine 148 with methionine.
Molecular consequence: missense variant.
Genome position (GRCh38, 1-based): chr14:93,721,464, C>T on the plus strand (G>A on the coding strand, the complement: PRIMA1 is on the minus strand). VCF-style: chr14-93721464-C-T. GRCh37 (hg19) VCF-style: chr14-94187810-C-T.
Other names: c.442G>A (NM_178013.3); short protein forms V148M.
Identifiers: ClinVar variation 1024518 (VCV001024518.8), dbSNP rs140016687, ClinGen allele CA7322991.

ClinVar aggregate classification (germline): Uncertain significance. Review status: criteria provided, multiple submitters, no conflicts (2 of 4 stars). 2 submissions from 2 submitters: Uncertain significance (2). Last evaluated 2024-11-14.

Conditions:
Familial sleep-related hypermotor epilepsy. Also called: Autosomal Dominant Sleep-Related Hypermotor (Hyperkinetic) Epilepsy. Identifiers: Orphanet 98784, MedGen C3696898, MONDO:0000030.

Allele frequency attached by ClinVar (database versions not stated): gnomAD 0.00004 and 0.00003; ExAC 0.00006; ESP Exome Variant Server 0.00008; TOPMed 0.00002.
gnomAD v4.1: 45 of 1,612,988 alleles (0.0028%); highest among the groups gnomAD compares: Middle Eastern, 0.017%; no homozygotes.

Submissions (2):

Ambry Genetics
Classification: Uncertain significance. Last evaluated: 2024-11-14. Review status: criteria provided, single submitter. Criteria: Ambry Variant Classification Scheme 2023. Collection method: clinical testing. Allele origin: germline.

Labcorp Genetics (formerly Invitae), Labcorp
Classification: Uncertain significance for Familial sleep-related hypermotor epilepsy. Last evaluated: 2023-11-27. Review status: criteria provided, single submitter. Criteria: Invitae Variant Classification Sherloc (09022015). Collection method: clinical testing. Allele origin: germline.
Comment: This sequence change replaces valine, which is neutral and non-polar, with methionine, which is neutral and non-polar, at codon 148 of the PRIMA1 protein (p.Val148Met). This variant is present in population databases (rs140016687, gnomAD 0.009%). This variant has not been reported in the literature in individuals affected with PRIMA1-related conditions. ClinVar contains an entry for this variant (Variation ID: 1024518). An algorithm developed to predict the effect of missense changes on protein structure and function (PolyPhen-2) suggests that this variant is likely to be disruptive. In summary, the available evidence is currently insufficient to determine the role of this variant in disease. Therefore, it has been classified as a Variant of Uncertain Significance.